The following is an entry in ClinVar:

NM_000264.5(PTCH1):c.2074G>A (p.Val692Met)

Genes: PTCH1 (patched 1; minus strand), LOC100507346 (uncharacterized LOC100507346; plus strand). Cytogenetic location: 9q22.32.
Variant type: single nucleotide variant.
Coding change: c.2074G>A on transcript NM_000264.5 (MANE Select); coding-DNA position 2074, G replaced by A.
Protein change: p.Val692Met; replaces valine 692 with methionine.
Molecular consequence: missense variant. On other transcripts: non-coding transcript variant (2).
Genome position (GRCh38, 1-based): chr9:95,468,927, C>T on the plus strand (G>A on the coding strand, the complement: PTCH1 is on the minus strand). VCF-style: chr9-95468927-C-T. GRCh37 (hg19) VCF-style: chr9-98231209-C-T.
Other names: c.1876G>A, p.Val626Met (NM_001083602.3); c.2071G>A, p.Val691Met (NM_001083603.3); c.1621G>A, p.Val541Met (NM_001083604.3, NM_001083605.3, NM_001083606.3 and 1 more transcripts); c.1918G>A, p.Val640Met (NM_001354918.2); c.2074G>A (NM_000264.4); short protein forms V626M, V692M, V541M, V640M, V691M.
Identifiers: ClinVar variation 237467 (VCV000237467.57), dbSNP rs758487789, ClinGen allele CA5138451.
Genomic context (GRCh38, chr9:95,468,927, plus strand): 5'-GCAGGTCCCTTGTGGAGCTGGTGCTCTCTGGGCTCTGGCAGCTGAGGGTGTCCTGTGTCA[C>T]GGTGACGGGCTGCACAGAGATCTCGGAGCGCGGCTCAGCGGTGGTGTAGTACACGTGCGT-3'
Protein context (NP_000255.2, residues 682-702): RSEISVQPVT[Val692Met]TQDTLSCQSP

ClinVar aggregate classification (germline): Conflicting classifications of pathogenicity. Review status: criteria provided, conflicting classifications (1 of 4 stars). 5 submissions from 5 submitters: Uncertain significance (1); Benign (1); Likely benign (3). Last evaluated 2026-01-27.

Conditions:
Hereditary cancer-predisposing syndrome. Also called: Tumor predisposition; Hereditary Cancer Syndrome; Neoplastic Syndromes, Hereditary; Hereditary neoplastic syndrome. Identifiers: Orphanet 140162, MedGen C0027672, MeSH D009386, MONDO:0015356.
PTCH1-related disorder. Also called: PTCH1-related disorders; PTCH1-related condition.
Gorlin syndrome. Also called: Nevoid Basal Cell Carcinoma Syndrome; Basal cell nevus syndrome. Identifiers: Orphanet 377, MedGen C0004779, MONDO:0007187.

Allele frequency attached by ClinVar (database versions not stated): ExAC 0.00003; gnomAD exomes 0.00003 and 0.00004; gnomAD 0.00006; TOPMed 0.00007.
gnomAD v4.1: 58 of 1,613,916 alleles (0.0036%); highest among the groups gnomAD compares: Middle Eastern, 0.099%; no homozygotes.

Submissions (5):

Labcorp Genetics (formerly Invitae), Labcorp
Classification: Benign for Gorlin syndrome. Last evaluated: 2026-01-27. Review status: criteria provided, single submitter. Criteria: Invitae Variant Classification Sherloc (09022015). Collection method: clinical testing. Allele origin: germline.

Quest Diagnostics Nichols Institute San Juan Capistrano
Classification: Likely benign. Last evaluated: 2025-07-08. Review status: criteria provided, single submitter. Criteria: Quest Diagnostics criteria. Collection method: clinical testing. Allele origin: unknown.

PreventionGenetics, part of Exact Sciences
Classification: Likely benign for PTCH1-related condition. Last evaluated: 2025-03-17. Review status: criteria provided, single submitter. Criteria: ACMG Guidelines, 2015. Collection method: clinical testing. Allele origin: germline.
Comment: This variant is classified as likely benign based on ACMG/AMP sequence variant interpretation guidelines (Richards et al. 2015 PMID: 25741868, with internal and published modifications).

Ambry Genetics
Classification: Likely benign for Hereditary cancer-predisposing syndrome. Last evaluated: 2019-01-11. Review status: criteria provided, single submitter. Criteria: Ambry Variant Classification Scheme 2023. Collection method: clinical testing. Allele origin: germline.

CeGaT Center for Human Genetics Tuebingen
Classification: Uncertain significance. Last evaluated: 2018-03-01. Review status: criteria provided, single submitter. Criteria: CeGaT Center For Human Genetics Tuebingen Variant Classification Criteria Version 2. Collection method: clinical testing. Allele origin: germline. Affected: yes. Observed: 1 variant allele.